The following is an entry in ClinVar:

ClinVar aggregate classification (germline): Uncertain significance (1 of 4 stars; one submission).

gnomAD v4.1: 1 of 1,614,220 alleles (0.000062%); highest among the groups gnomAD compares: South Asian, 0.0011%; no homozygotes.

Submission:

Women's Health and Genetics/Laboratory Corporation of America, LabCorp
Classification: Uncertain significance. Last evaluated: 2024-06-27. Review status: criteria provided, single submitter. Criteria: LabCorp Variant Classification Summary - May 2015. Collection method: clinical testing. Allele origin: germline.
Comment: Variant summary: VDR c.98G>C (p.Gly33Ala) results in a non-conservative amino acid change located in the VDR, DNA-binding domain (IPR042153) of the encoded protein sequence. Five of five in-silico tools predict a damaging effect of the variant on protein function. The variant allele was found at a frequency of 4e-06 in 251462 control chromosomes. The available data on variant occurrences in the general population are insufficient to allow any conclusion about variant significance. To our knowledge, no occurrence of c.98G>C in individuals affected with Vitamin D-Dependent Rickets Type II With Alopecia and no experimental evidence demonstrating its impact on protein function have been reported. No submitters have cited clinical-significance assessments for this variant to ClinVar. Based on the evidence outlined above, the variant was classified as uncertain significance.

NM_000376.3(VDR):c.98G>C (p.Gly33Ala)

Gene: VDR (vitamin D receptor; minus strand). Cytogenetic location: 12q13.11.
Variant type: single nucleotide variant.
Coding change: c.98G>C on transcript NM_000376.3 (MANE Select); coding-DNA position 98, G replaced by C.
Protein change: p.Gly33Ala; replaces glycine 33 with alanine.
Molecular consequence: missense variant.
Genome position (GRCh38, 1-based): chr12:47,879,016, C>G on the plus strand (G>C on the coding strand, the complement: VDR is on the minus strand). VCF-style: chr12-47879016-C-G. GRCh37 (hg19) VCF-style: chr12-48272799-C-G.
Other names: c.98G>C, p.Gly33Ala (NM_001017535.2, NM_001364085.2, NM_001374661.1 and 1 more transcripts); c.248G>C, p.Gly83Ala (NM_001017536.2); short protein forms G33A, G83A.
Identifiers: ClinVar variation 3339539 (VCV003339539.1).